The following is an entry in ClinVar:

NM_001927.4(DES):c.668T>C (p.Ile223Thr)

Gene: DES (desmin; plus strand). Cytogenetic location: 2q35.
Variant type: single nucleotide variant.
Coding change: c.668T>C on transcript NM_001927.4 (MANE Select); coding-DNA position 668, T replaced by C.
Protein change: p.Ile223Thr; replaces isoleucine 223 with threonine.
Molecular consequence: missense variant. On other transcripts: intron variant (1).
Genome position (GRCh38, 1-based): chr2:219,420,279, T>C. VCF-style: chr2-219420279-T-C. GRCh37 (hg19) VCF-style: chr2-220285001-T-C.
Other names: c.665T>C, p.Ile222Thr (NM_001382708.1); c.668T>C, p.Ile223Thr (NM_001382709.1, NM_001382710.1, NM_001382711.1 and 1 more transcripts); c.496-246T>C (NM_001382713.1); short protein forms I222T, I223T.
Identifiers: ClinVar variation 4537927 (VCV004537927.1).

ClinVar aggregate classification (germline): Uncertain significance (1 of 4 stars; one submission).

gnomAD v4.1: 1 of 1,614,098 alleles (0.000062%); no homozygotes.

Submission:

GeneDx
Classification: Uncertain significance. Last evaluated: 2025-06-09. Review status: criteria provided, single submitter. Criteria: GeneDx Variant Classification Process June 2021. Collection method: clinical testing. Allele origin: germline. Affected: yes.
Comment: Not observed at significant frequency in large population cohorts (gnomAD); In silico analysis supports that this missense variant has a deleterious effect on protein structure/function; Has not been previously published as pathogenic or benign to our knowledge; This variant is associated with the following publications: (PMID: 26807690)